The following is an entry in ClinVar:

NM_015909.4(NBAS):c.1123A>G (p.Thr375Ala)

Gene: NBAS (NBAS subunit of NRZ tethering complex; minus strand). Cytogenetic location: 2p24.3.
Variant type: single nucleotide variant.
Coding change: c.1123A>G on transcript NM_015909.4 (MANE Select); coding-DNA position 1123, A replaced by G.
Protein change: p.Thr375Ala; replaces threonine 375 with alanine.
Molecular consequence: missense variant. On other transcripts: non-coding transcript variant (1).
Genome position (GRCh38, 1-based): chr2:15,478,250, T>C on the plus strand (A>G on the coding strand, the complement: NBAS is on the minus strand). VCF-style: chr2-15478250-T-C. GRCh37 (hg19) VCF-style: chr2-15618374-T-C.
Other names: short protein forms T375A.
Identifiers: ClinVar variation 1385120 (VCV001385120.4), dbSNP rs778111826, ClinGen allele CA42630541.

ClinVar aggregate classification (germline): Uncertain significance (1 of 4 stars; one submission).

Allele frequency attached by ClinVar (database versions not stated): gnomAD exomes 0.00001.

Submission:

Labcorp Genetics (formerly Invitae), Labcorp
Classification: Uncertain significance. Last evaluated: 2021-09-24. Review status: criteria provided, single submitter. Criteria: Invitae Variant Classification Sherloc (09022015). Collection method: clinical testing. Allele origin: germline.
Comment: In summary, the available evidence is currently insufficient to determine the role of this variant in disease. Therefore, it has been classified as a Variant of Uncertain Significance. Algorithms developed to predict the effect of missense changes on protein structure and function output the following: SIFT: "Deleterious"; PolyPhen-2: "Benign"; Align-GVGD: "Class C55". The alanine amino acid residue is found in multiple mammalian species, which suggests that this missense change does not adversely affect protein function. This variant has not been reported in the literature in individuals affected with NBAS-related conditions. This variant is not present in population databases (ExAC no frequency). This sequence change replaces threonine with alanine at codon 375 of the NBAS protein (p.Thr375Ala). The threonine residue is highly conserved and there is a small physicochemical difference between threonine and alanine.